The following is an entry in ClinVar:

NM_001009999.3(KDM1A):c.1434A>T (p.Lys478Asn)

Gene: KDM1A (lysine demethylase 1A; plus strand). Cytogenetic location: 1p36.12.
Variant type: single nucleotide variant.
Coding change: c.1434A>T on transcript NM_001009999.3 (MANE Select); coding-DNA position 1434, A replaced by T.
Protein change: p.Lys478Asn; replaces lysine 478 with asparagine.
Molecular consequence: missense variant.
Genome position (GRCh38, 1-based): chr1:23,071,245, A>T. VCF-style: chr1-23071245-A-T. GRCh37 (hg19) VCF-style: chr1-23397738-A-T.
Other names: c.1362A>T, p.Lys454Asn (NM_001363654.2, NM_001410763.1, NM_015013.4); c.1422A>T, p.Lys474Asn (NM_001410762.1); short protein forms K474N, K478N, K454N.
Identifiers: ClinVar variation 2096066 (VCV002096066.4), dbSNP rs922690715, ClinGen allele CA338968096.

ClinVar aggregate classification (germline): Uncertain significance (1 of 4 stars; one submission).

gnomAD v4.1: 2 of 1,599,348 alleles (0.00013%); highest among the groups gnomAD compares: Admixed American, 0.0018%; no homozygotes.

Submission:

Labcorp Genetics (formerly Invitae), Labcorp
Classification: Uncertain significance. Last evaluated: 2024-10-15. Review status: criteria provided, single submitter. Criteria: Invitae Variant Classification Sherloc (09022015). Collection method: clinical testing. Allele origin: germline.
Comment: This sequence change replaces lysine, which is basic and polar, with asparagine, which is neutral and polar, at codon 478 of the KDM1A protein (p.Lys478Asn). This variant is present in population databases (no rsID available, gnomAD 0.003%). This variant has not been reported in the literature in individuals affected with KDM1A-related conditions. ClinVar contains an entry for this variant (Variation ID: 2096066). Invitae Evidence Modeling of protein sequence and biophysical properties (such as structural, functional, and spatial information, amino acid conservation, physicochemical variation, residue mobility, and thermodynamic stability) indicates that this missense variant is not expected to disrupt KDM1A protein function with a negative predictive value of 80%. In summary, the available evidence is currently insufficient to determine the role of this variant in disease. Therefore, it has been classified as a Variant of Uncertain Significance.